The following is an entry in ClinVar:

ClinVar aggregate classification (germline): Conflicting classifications of pathogenicity. Review status: criteria provided, conflicting classifications (1 of 4 stars). 9 submissions from 9 submitters: Uncertain significance (4); Likely benign (2). 3 of the submissions do not count toward it. Last evaluated 2026-09-01.

Conditions:
Bardet-Biedl syndrome 10 (BBS10). Identifiers: Orphanet 110, MedGen C1859568, MONDO:0014438, OMIM 615987.
Bardet-Biedl syndrome (BBS). Identifiers: Orphanet 110, MedGen C0752166, MONDO:0015229.
BBS10-related disorder. Also called: BBS10-related condition.
Inborn genetic diseases. Identifiers: MedGen C0950123, MeSH D030342.

Allele frequency attached by ClinVar (database versions not stated): 1000 Genomes Project 30x 0.00016; 1000 Genomes Project 0.00020; TOPMed 0.00035; gnomAD exomes 0.00036 and 0.00056; gnomAD 0.00040 and 0.00041; ExAC 0.00041; ESP Exome Variant Server 0.00062.
gnomAD v4.1: 871 of 1,612,592 alleles (0.054%); highest among the groups gnomAD compares: Non-Finnish European, 0.069%; 1 homozygote.

Submissions (9):

PreventionGenetics, part of Exact Sciences
Classification: Uncertain significance for BBS10-related condition. Last evaluated: 2026-09-01. Review status: criteria provided, single submitter. Criteria: ACMG Guidelines, 2015. Collection method: clinical testing. Allele origin: germline.
Comment: The BBS10 c.886G>A variant is predicted to result in the amino acid substitution p.Ala296Thr. This variant has been reported in the heterozygous state in one individual with Bardet-Biedl syndrome, who also harbored two variants in the BBS1 gene (Billingsley et al. 2010. PubMed ID: 20472660). This variant is reported in 0.065% of alleles in individuals of European (Non-Finnish) descent in gnomAD, which is likely too frequent to be a primary cause of disease. Although we suspect that this variant may be benign, at this time, the clinical significance of this variant is uncertain due to the absence of conclusive functional and genetic evidence.

Mayo Clinic Laboratories, Mayo Clinic
Classification: Uncertain significance. Last evaluated: 2025-03-07. Review status: criteria provided, single submitter. Criteria: ACMG Guidelines, 2015. Collection method: clinical testing. Allele origin: germline. Observed: 1 variant allele.
Comment: BP4_moderate

Labcorp Genetics (formerly Invitae), Labcorp
Classification: Uncertain significance for Bardet-Biedl syndrome. Last evaluated: 2025-02-03. Review status: criteria provided, single submitter. Criteria: Invitae Variant Classification Sherloc (09022015). Collection method: clinical testing. Allele origin: germline.
Comment: This sequence change replaces alanine, which is neutral and non-polar, with threonine, which is neutral and polar, at codon 296 of the BBS10 protein (p.Ala296Thr). This variant is present in population databases (rs150587582, gnomAD 0.07%). This variant has not been reported in the literature in individuals affected with BBS10-related conditions. ClinVar contains an entry for this variant (Variation ID: 658119). Invitae Evidence Modeling of protein sequence and biophysical properties (such as structural, functional, and spatial information, amino acid conservation, physicochemical variation, residue mobility, and thermodynamic stability) indicates that this missense variant is not expected to disrupt BBS10 protein function with a negative predictive value of 80%. In summary, the available evidence is currently insufficient to determine the role of this variant in disease. Therefore, it has been classified as a Variant of Uncertain Significance.

Blueprint Genetics
Classification: Likely benign. Last evaluated: 2024-08-06. Review status: criteria provided, single submitter. Criteria: ACMG Guidelines, 2015. Collection method: clinical testing. Allele origin: germline.

Ambry Genetics
Classification: Uncertain significance for Inborn genetic diseases. Last evaluated: 2024-04-06. Review status: criteria provided, single submitter. Criteria: Ambry Variant Classification Scheme 2023. Collection method: clinical testing. Allele origin: germline.

Genetic Services Laboratory, University of Chicago
Classification: Likely benign. Last evaluated: 2018-09-17. Review status: criteria provided, single submitter. Criteria: ACMG Guidelines, 2015. Collection method: clinical testing. Allele origin: germline. Affected: no.

Natera, Inc.
Classification: Uncertain significance for Bardet-Biedl syndrome type 10. Last evaluated: 2020-09-16. Review status: no assertion criteria provided. Collection method: clinical testing. Allele origin: germline. Not counted in ClinVar's aggregate classification.

Clinical Genetics DNA and cytogenetics Diagnostics Lab, Erasmus MC, Erasmus Medical Center
Classification: Likely benign. Review status: no assertion criteria provided. Collection method: clinical testing. Allele origin: germline. Affected: yes. Study: VKGL Data-share Consensus. Not counted in ClinVar's aggregate classification.

Genome Diagnostics Laboratory, University Medical Center Utrecht
Classification: Likely benign. Review status: no assertion criteria provided. Collection method: clinical testing. Allele origin: germline. Affected: yes. Study: VKGL Data-share Consensus. Not counted in ClinVar's aggregate classification.

Literature cited by the submitters: PubMed 20472660 (cited by Mayo Clinic Laboratories, Mayo Clinic).

NM_024685.4(BBS10):c.886G>A (p.Ala296Thr)

Gene: BBS10 (Bardet-Biedl syndrome 10; minus strand). Cytogenetic location: 12q21.2.
Variant type: single nucleotide variant.
Coding change: c.886G>A on transcript NM_024685.4 (MANE Select); coding-DNA position 886, G replaced by A.
Protein change: p.Ala296Thr; replaces alanine 296 with threonine.
Molecular consequence: missense variant.
Genome position (GRCh38, 1-based): chr12:76,347,099, C>T on the plus strand (G>A on the coding strand, the complement: BBS10 is on the minus strand). VCF-style: chr12-76347099-C-T. GRCh37 (hg19) VCF-style: chr12-76740879-C-T.
Other names: p.Ala296Thr; c.886G>A, p.Ala296Thr (LRG_1255t1); short protein forms A296T.
Identifiers: ClinVar variation 658119 (VCV000658119.19), dbSNP rs150587582, ClinGen allele CA6694269.